The following is an entry in ClinVar:

ClinVar aggregate classification (germline): Conflicting classifications of pathogenicity. Review status: criteria provided, conflicting classifications (1 of 4 stars). 6 submissions from 6 submitters: Pathogenic (2); Likely pathogenic (1); Uncertain significance (3). Last evaluated 2026-02-13.

Conditions:
Episodic kinesigenic dyskinesia (EKD). Also called: Paroxysmal kinesigenic dyskinesia. Identifiers: Orphanet 98809, MedGen C1868682, MONDO:0044202.
Episodic kinesigenic dyskinesia 1 (EKD1). Also called: PxMD-PRRT2; DYSTONIA, FAMILIAL PAROXYSMAL; PAROXYSMAL KINESIGENIC CHOREOATHETOSIS; Dystonia 10; PRRT2-Related Paroxysmal Kinesigenic Dyskinesia (PKD). Identifiers: Orphanet 98809, MedGen C4552000, MONDO:0100352, OMIM 128200, MONDO:0007494.
Seizures, benign familial infantile, 2 (BFIS2). Also called: CONVULSIONS, BENIGN FAMILIAL INFANTILE, 2. Identifiers: Orphanet 306, MedGen C1853995, MONDO:0011593, OMIM 605751.

Allele frequency attached by ClinVar (database versions not stated): gnomAD exomes below 0.00001; gnomAD 0.00001; TOPMed 0.00001.
gnomAD v4.1: 2 of 1,608,810 alleles (0.00012%); highest among the groups gnomAD compares: Non-Finnish European, 0.00017%; no homozygotes.

Submissions (6):

OLLIN Analises Genomicas, OLLIN
Classification: Uncertain significance for Episodic kinesigenic dyskinesia 1. Last evaluated: 2026-02-13. Review status: criteria provided, single submitter. Criteria: ACMG Guidelines 2015 PMID 25741868. Collection method: clinical testing. Allele origin: germline. Observed: 1 variant allele.
Comment: PS3_P, PM2_P, PP1, PP3

Labcorp Genetics (formerly Invitae), Labcorp
Classification: Uncertain significance for Episodic kinesigenic dyskinesia. Last evaluated: 2025-10-01. Review status: criteria provided, single submitter. Criteria: Invitae Variant Classification Sherloc (09022015). Collection method: clinical testing. Allele origin: germline.
Comment: This sequence change replaces alanine, which is neutral and non-polar, with valine, which is neutral and non-polar, at codon 320 of the PRRT2 protein (p.Ala320Val). This variant is not present in population databases (gnomAD no frequency). This missense change has been observed in individual(s) with PRRT2-related conditions (PMID: 29167286). It has also been observed to segregate with disease in related individuals. ClinVar contains an entry for this variant (Variation ID: 440911). Invitae Evidence Modeling of protein sequence and biophysical properties (such as structural, functional, and spatial information, amino acid conservation, physicochemical variation, residue mobility, and thermodynamic stability) has been performed for this missense variant. However, the output from this modeling did not meet the statistical confidence thresholds required to predict the impact of this variant on PRRT2 protein function. Experimental studies have shown that this missense change affects PRRT2 function (PMID: 37271286). In summary, the available evidence is currently insufficient to determine the role of this variant in disease. Therefore, it has been classified as a Variant of Uncertain Significance.

GeneDx
Classification: Likely pathogenic. Last evaluated: 2025-05-13. Review status: criteria provided, single submitter. Criteria: GeneDx Variant Classification Process June 2021. Collection method: clinical testing. Allele origin: germline. Affected: yes.
Comment: In vitro functional analysis demonstrated reduced interaction with Nav1.2 and defective binding to SNAP25 (PMID: 37271286, 39653855); Not observed at significant frequency in large population cohorts (gnomAD); In silico analysis suggests that this missense variant does not alter protein structure/function; This variant is associated with the following publications: (PMID: 39653855, 37271286, 29167286)

Mendelics
Classification: Pathogenic for Episodic kinesigenic dyskinesia 1. Last evaluated: 2022-05-04. Review status: criteria provided, single submitter. Criteria: Mendelics Assertion Criteria 2019. Collection method: clinical testing. Allele origin: germline.

Blueprint Genetics
Classification: Uncertain significance. Last evaluated: 2020-12-17. Review status: criteria provided, single submitter. Criteria: ACMG Guidelines, 2015. Collection method: clinical testing. Allele origin: germline.

Baylor-Hopkins Center for Mendelian Genomics, Johns Hopkins University School of Medicine
Classification: Pathogenic for Episodic kinesigenic dyskinesia 1; Seizures, benign familial infantile, 2. Review status: criteria provided, single submitter. Criteria: ACMG Guidelines, 2015. Collection method: research. Allele origin: paternal. Inheritance: Autosomal dominant inheritance. Affected: yes. Observed: 1 variant allele, 1 heterozygote.

Literature cited by the submitters: PubMed 29167286 (cited by Labcorp Genetics (formerly Invitae), Labcorp); PubMed 37271286 (cited by Labcorp Genetics (formerly Invitae), Labcorp).

NM_145239.3(PRRT2):c.959C>T (p.Ala320Val)

Genes: MVP-DT (MVP divergent transcript; minus strand), PRRT2 (proline rich transmembrane protein 2; plus strand). Cytogenetic location: 16p11.2.
Variant type: single nucleotide variant.
Coding change: c.959C>T on transcript NM_145239.3 (MANE Select); coding-DNA position 959, C replaced by T.
Protein change: p.Ala320Val; replaces alanine 320 with valine.
Molecular consequence: missense variant. On other transcripts: 3 prime UTR variant (1).
Genome position (GRCh38, 1-based): chr16:29,814,412, C>T. VCF-style: chr16-29814412-C-T. GRCh37 (hg19) VCF-style: chr16-29825733-C-T.
Other names: c.959C>T (NM_145239.2); c.959C>T, p.Ala320Val (NM_001256442.2); c.*458C>T (NM_001256443.2); short protein forms A320V.
Identifiers: ClinVar variation 440911 (VCV000440911.15), dbSNP rs1301400509, ClinGen allele CA395480710.